The following is an entry in ClinVar:

ClinVar aggregate classification (germline): Uncertain significance (1 of 4 stars; one submission).

Submission:

Labcorp Genetics (formerly Invitae), Labcorp
Classification: Uncertain significance. Last evaluated: 2022-08-09. Review status: criteria provided, single submitter. Criteria: Invitae Variant Classification Sherloc (09022015). Collection method: clinical testing. Allele origin: germline.
Comment: In summary, the available evidence is currently insufficient to determine the role of this variant in disease. Therefore, it has been classified as a Variant of Uncertain Significance. Algorithms developed to predict the effect of missense changes on protein structure and function are either unavailable or do not agree on the potential impact of this missense change (SIFT: "Deleterious"; PolyPhen-2: "Possibly Damaging"; Align-GVGD: "Class C0"). This variant has not been reported in the literature in individuals affected with ARHGEF18-related conditions. This variant is not present in population databases (gnomAD no frequency). This sequence change replaces valine, which is neutral and non-polar, with phenylalanine, which is neutral and non-polar, at codon 157 of the ARHGEF18 protein (p.Val157Phe).

NM_001367823.1(ARHGEF18):c.1033G>T (p.Val345Phe)

Gene: ARHGEF18 (Rho/Rac guanine nucleotide exchange factor 18; plus strand). Cytogenetic location: 19p13.2.
Variant type: single nucleotide variant.
Coding change: c.1033G>T on transcript NM_001367823.1 (MANE Select); coding-DNA position 1033, G replaced by T.
Protein change: p.Val345Phe; replaces valine 345 with phenylalanine.
Molecular consequence: missense variant. On other transcripts: 5 prime UTR variant (2).
Genome position (GRCh38, 1-based): chr19:7,440,409, G>T. VCF-style: chr19-7440409-G-T. GRCh37 (hg19) VCF-style: chr19-7505295-G-T.
Other names: c.307G>T, p.Val103Phe (NM_001130955.2); c.-6G>T (NM_001367824.1, NM_015318.4); short protein forms V103F, V345F.
Identifiers: ClinVar variation 1715821 (VCV001715821.5), dbSNP rs1974564312, ClinGen allele CA403096471.